The following is an entry in ClinVar:

ClinVar aggregate classification (germline): Uncertain significance (1 of 4 stars; one submission).

Submission:

Ambry Genetics
Classification: Uncertain significance. Last evaluated: 2025-11-28. Review status: criteria provided, single submitter. Criteria: Ambry Variant Classification Scheme 2023. Collection method: clinical testing. Allele origin: germline.
Comment: The p.G132D variant (also known as c.395G>A) is located in coding exon 4 of the RECQL gene. The glycine at codon 132 is replaced by aspartic acid, an amino acid with similar properties. This change occurs in the first base pair of coding exon 4. This amino acid position is conserved. In addition, this alteration is predicted to be deleterious by in silico analysis. Since supporting evidence is limited at this time, the clinical significance of this alteration remains unclear.

NM_002907.4(RECQL):c.395G>A (p.Gly132Asp)

Gene: RECQL (RecQ like helicase; minus strand). Cytogenetic location: 12p12.1.
Variant type: single nucleotide variant.
Coding change: c.395G>A on transcript NM_002907.4 (MANE Select); coding-DNA position 395, G replaced by A.
Protein change: p.Gly132Asp; replaces glycine 132 with aspartic acid.
Molecular consequence: missense variant.
Genome position (GRCh38, 1-based): chr12:21,486,585, C>T on the plus strand (G>A on the coding strand, the complement: RECQL is on the minus strand). VCF-style: chr12-21486585-C-T. GRCh37 (hg19) VCF-style: chr12-21639519-C-T.
Other names: c.395G>A, p.Gly132Asp (NM_032941.3); short protein forms G132D.
Identifiers: ClinVar variation 2560862 (VCV002560862.3), dbSNP rs1389801258, ClinGen allele CA384130455.